The following is an entry in ClinVar:

NM_001375.3(DNASE2):c.626A>G (p.Glu209Gly)

Gene: DNASE2 (deoxyribonuclease 2, lysosomal; minus strand). Cytogenetic location: 19p13.13.
Variant type: single nucleotide variant.
Coding change: c.626A>G on transcript NM_001375.3 (MANE Select); coding-DNA position 626, A replaced by G.
Protein change: p.Glu209Gly; replaces glutamic acid 209 with glycine.
Molecular consequence: missense variant.
Genome position (GRCh38, 1-based): chr19:12,878,465, T>C on the plus strand (A>G on the coding strand, the complement: DNASE2 is on the minus strand). VCF-style: chr19-12878465-T-C. GRCh37 (hg19) VCF-style: chr19-12989279-T-C.
Other names: short protein forms E209G.
Identifiers: ClinVar variation 1509079 (VCV001509079.7), dbSNP rs903636310, ClinGen allele CA305497931.

ClinVar aggregate classification (germline): Uncertain significance (1 of 4 stars; one submission).

Allele frequency attached by ClinVar (database versions not stated): gnomAD 0.00001; gnomAD exomes 0.00001; TOPMed 0.00001.
gnomAD v4.1: 10 of 1,613,912 alleles (0.00062%); highest among the groups gnomAD compares: Non-Finnish European, 0.00085%; no homozygotes.

Submission:

Labcorp Genetics (formerly Invitae), Labcorp
Classification: Uncertain significance. Last evaluated: 2024-11-04. Review status: criteria provided, single submitter. Criteria: Invitae Variant Classification Sherloc (09022015). Collection method: clinical testing. Allele origin: germline.
Comment: This sequence change replaces glutamic acid, which is acidic and polar, with glycine, which is neutral and non-polar, at codon 209 of the DNASE2 protein (p.Glu209Gly). This variant is present in population databases (no rsID available, gnomAD 0.007%). This variant has not been reported in the literature in individuals affected with DNASE2-related conditions. ClinVar contains an entry for this variant (Variation ID: 1509079). An algorithm developed to predict the effect of missense changes on protein structure and function outputs the following: PolyPhen-2: "Benign". The glycine amino acid residue is found in multiple mammalian species, which suggests that this missense change does not adversely affect protein function. In summary, the available evidence is currently insufficient to determine the role of this variant in disease. Therefore, it has been classified as a Variant of Uncertain Significance.